The following is an entry in ClinVar:

NM_020832.3(ZNF687):c.1162G>T (p.Val388Leu)

Gene: ZNF687 (zinc finger protein 687; plus strand). Cytogenetic location: 1q21.3.
Variant type: single nucleotide variant.
Coding change: c.1162G>T on transcript NM_020832.3 (MANE Select); coding-DNA position 1162, G replaced by T.
Protein change: p.Val388Leu; replaces valine 388 with leucine.
Molecular consequence: missense variant.
Genome position (GRCh38, 1-based): chr1:151,287,453, G>T. VCF-style: chr1-151287453-G-T. GRCh37 (hg19) VCF-style: chr1-151259929-G-T.
Other names: c.1162G>T, p.Val388Leu (NM_001304763.2, NM_001304764.2); c.1162G>T (NM_020832.1); short protein forms V388L.
Identifiers: ClinVar variation 1924430 (VCV001924430.7), dbSNP rs777320654, ClinGen allele CA341936975.

ClinVar aggregate classification (germline): Uncertain significance. Review status: criteria provided, multiple submitters, no conflicts (2 of 4 stars). 2 submissions from 2 submitters: Uncertain significance (2). Last evaluated 2024-12-15.

gnomAD v4.1: 14 of 1,614,174 alleles (0.00087%); highest among the groups gnomAD compares: East Asian, 0.0067%; no homozygotes.

Submissions (2):

Labcorp Genetics (formerly Invitae), Labcorp
Classification: Uncertain significance. Last evaluated: 2024-12-15. Review status: criteria provided, single submitter. Criteria: Invitae Variant Classification Sherloc (09022015). Collection method: clinical testing. Allele origin: germline.
Comment: This sequence change replaces valine, which is neutral and non-polar, with leucine, which is neutral and non-polar, at codon 388 of the ZNF687 protein (p.Val388Leu). This variant is present in population databases (no rsID available, gnomAD 0.006%). This variant has not been reported in the literature in individuals affected with ZNF687-related conditions. ClinVar contains an entry for this variant (Variation ID: 1924430). An algorithm developed to predict the effect of missense changes on protein structure and function (PolyPhen-2) suggests that this variant is likely to be tolerated. In summary, the available evidence is currently insufficient to determine the role of this variant in disease. Therefore, it has been classified as a Variant of Uncertain Significance.

Ambry Genetics
Classification: Uncertain significance. Last evaluated: 2023-06-07. Review status: criteria provided, single submitter. Criteria: Ambry Variant Classification Scheme 2023. Collection method: clinical testing. Allele origin: germline.